The following is an entry in ClinVar:

ClinVar aggregate classification (germline): Pathogenic/Likely pathogenic. Review status: criteria provided, multiple submitters, no conflicts (2 of 4 stars). 3 submissions from 3 submitters: Pathogenic (1); Likely pathogenic (2). Last evaluated 2025-08-18.

Conditions:
Familial dysautonomia. Also called: FD; HSAN III. Identifiers: Orphanet 1764, MedGen C0013364, MONDO:0009131, OMIM 223900. Disease mechanism: loss of function.
Medulloblastoma (MDB). Also called: MEDULLOBLASTOMA PREDISPOSITION SYNDROME; Medulloblastoma, somatic. Identifiers: Orphanet 616, MedGen C0025149, MeSH D008527, MONDO:0007959, OMIM 155255, HP:0002885.

Submissions (3):

Natera, Inc.
Classification: Likely pathogenic for Familial dysautonomia. Last evaluated: 2025-08-18. Review status: criteria provided, single submitter. Criteria: Natera Variant Classification Schema (03/2026). Collection method: clinical testing. Allele origin: germline.
Comment: The c.3831_3834delTTAC variant in ELP1 is a frameshift variant predicted to shift the reading frame beginning at codon 1278 and leads to a stop codon 9 codons downstream. This variant is expected to result in nonsense mediated decay, truncation, or a dysfunctional protein product. This variant is rare in the general population with a frequency below the threshold expected for the associated phenotype(s). Given the available evidence, this variant is classified as Likely Pathogenic.

Labcorp Genetics (formerly Invitae), Labcorp
Classification: Pathogenic. Last evaluated: 2023-02-13. Review status: criteria provided, single submitter. Criteria: Invitae Variant Classification Sherloc (09022015). Collection method: clinical testing. Allele origin: germline.
Comment: This sequence change creates a premature translational stop signal (p.Tyr1278Serfs*9) in the ELP1 gene. It is expected to result in an absent or disrupted protein product. Loss-of-function variants in ELP1 are known to be pathogenic (PMID: 18303054, 24173031). This variant is not present in population databases (gnomAD no frequency). This variant has not been reported in the literature in individuals affected with ELP1-related conditions. ClinVar contains an entry for this variant (Variation ID: 952137). For these reasons, this variant has been classified as Pathogenic.

Fulgent Genetics
Classification: Likely pathogenic for Medulloblastoma; Familial dysautonomia. Last evaluated: 2022-01-12. Review status: criteria provided, single submitter. Criteria: ACMG Guidelines, 2015. Collection method: clinical testing. Allele origin: unknown.

Literature cited by the submitters: PubMed 18303054 (cited by Labcorp Genetics (formerly Invitae), Labcorp); PubMed 24173031 (cited by Labcorp Genetics (formerly Invitae), Labcorp).

NM_003640.5(ELP1):c.3831_3834del (p.Tyr1278fs)

Gene: ELP1 (elongator acetyltransferase complex subunit 1; minus strand). Cytogenetic location: 9q31.3.
Variant type: Microsatellite.
Coding change: c.3831_3834del on transcript NM_003640.5 (MANE Select); coding-DNA positions 3831 to 3834, 4 bases deleted (TTAC; older notation c.3831_3834delTTAC).
Protein change: p.Tyr1278fs; shifts the reading frame from tyrosine 1278.
Molecular consequence: frameshift variant.
Genome position (GRCh38, 1-based): chr9:108,878,016-108,878,019, GTAA deleted on the plus strand (TTAC on the coding strand, the reverse complement: ELP1 is on the minus strand); deleting any 4 consecutive bases within chr9:108,878,016-108,878,024 gives the same sequence; the c. name uses the placement nearest the transcript's 3' end. VCF-style (leftmost placement, unchanged base first): chr9-108878015-GGTAA-G. GRCh37 (hg19) VCF-style: chr9-111640295-GGTAA-G.
Other names: c.3831_3834delTTAC (NM_003640.4); c.3489_3492del, p.Tyr1164fs (NM_001318360.2); c.2784_2787del, p.Tyr929fs (NM_001330749.2); short protein forms Y1278fs, Y1164fs, Y929fs.
Identifiers: ClinVar variation 952137 (VCV000952137.9), dbSNP rs1446325480, ClinGen allele CA858459086.
Genomic context (GRCh38, chr9:108,878,015, plus strand): 5'-AATGATGAAAAAAATGCACACCGTCTCTGAGAAAACTTACCGGGGTAGCTGAATTCTGCT[GGTAA>G]GTAAGAGTCCAAATTTCTGGAAGTGACCTTTCCATCAACTGCAGCGTATCTTCAAAGGCC-3'